The following is an entry in ClinVar:

NM_022114.4(PRDM16):c.700G>A (p.Glu234Lys)

Gene: PRDM16 (PR/SET domain 16; plus strand). Cytogenetic location: 1p36.32.
Variant type: single nucleotide variant.
Coding change: c.700G>A on transcript NM_022114.4 (MANE Select); coding-DNA position 700, G replaced by A.
Protein change: p.Glu234Lys; replaces glutamic acid 234 with lysine.
Molecular consequence: missense variant.
Genome position (GRCh38, 1-based): chr1:3,402,814, G>A. VCF-style: chr1-3402814-G-A. GRCh37 (hg19) VCF-style: chr1-3319378-G-A.
Other names: c.700G>A, p.Glu234Lys (NM_199454.3); short protein forms E234K.
Identifiers: ClinVar variation 935236 (VCV000935236.10), dbSNP rs367748143, ClinGen allele CA543934.

ClinVar aggregate classification (germline): Uncertain significance. Review status: criteria provided, multiple submitters, no conflicts (2 of 4 stars). 2 submissions from 2 submitters: Uncertain significance (2). Last evaluated 2026-01-25.

Conditions:
Left ventricular noncompaction 8 (LVNC8). Identifiers: Orphanet 154, Orphanet 54260, MedGen C3809288, MONDO:0014152, OMIM 615373.
Inborn genetic diseases. Identifiers: MedGen C0950123, MeSH D030342.

Allele frequency attached by ClinVar (database versions not stated): gnomAD exomes 0.00003 and 0.00004; TOPMed 0.00005; gnomAD 0.00006 and 0.00007; ExAC 0.00007; ESP Exome Variant Server 0.00016.
gnomAD v4.1: 48 of 1,612,408 alleles (0.003%); highest among the groups gnomAD compares: South Asian, 0.016%; no homozygotes.

Submissions (2):

Labcorp Genetics (formerly Invitae), Labcorp
Classification: Uncertain significance for Left ventricular noncompaction 8. Last evaluated: 2026-01-25. Review status: criteria provided, single submitter. Criteria: Invitae Variant Classification Sherloc (09022015). Collection method: clinical testing. Allele origin: germline.
Comment: This sequence change replaces glutamic acid, which is acidic and polar, with lysine, which is basic and polar, at codon 234 of the PRDM16 protein (p.Glu234Lys). This variant is present in population databases (rs367748143, gnomAD 0.02%). This variant has not been reported in the literature in individuals affected with PRDM16-related conditions. ClinVar contains an entry for this variant (Variation ID: 935236). An algorithm developed to predict the effect of missense changes on protein structure and function (PolyPhen-2) suggests that this variant is likely to be tolerated. In summary, the available evidence is currently insufficient to determine the role of this variant in disease. Therefore, it has been classified as a Variant of Uncertain Significance.

Ambry Genetics
Classification: Uncertain significance for Inborn genetic diseases. Last evaluated: 2025-12-15. Review status: criteria provided, single submitter. Criteria: Ambry Variant Classification Scheme 2023. Collection method: clinical testing. Allele origin: germline.